The following is an entry in ClinVar:

ClinVar aggregate classification (germline): Uncertain significance. Review status: criteria provided, multiple submitters, no conflicts (2 of 4 stars). 3 submissions from 3 submitters: Uncertain significance (3). Last evaluated 2024-09-23.

Conditions:
Fanconi anemia complementation group P. Also called: SLX4-Related Fanconi Anemia. Identifiers: Orphanet 84, MedGen C3469542, MONDO:0013499, OMIM 613951.
Fanconi anemia (FA). Also called: Fanconi's anemia. Identifiers: Orphanet 84, MedGen C0015625, MeSH D005199, MONDO:0019391.

Allele frequency attached by ClinVar (database versions not stated): TOPMed below 0.00001; ExAC 0.00001; gnomAD exomes 0.00001.
gnomAD v4.1: 7 of 1,614,078 alleles (0.00043%); highest among the groups gnomAD compares: Middle Eastern, 0.016%; no homozygotes.

Submissions (3):

Hema, HEMA – Genetic and Molecular Diagnostic Laboratory
Classification: Uncertain significance for Fanconi anemia complementation group P. Last evaluated: 2024-09-23. Review status: criteria provided, single submitter. Criteria: HEMA Variant Classification Assertion Criteria. Collection method: clinical testing. Allele origin: germline.
Comment: The c.2489C>T (p.Ala830Val) variant is a transition from guanine to adenine, resulting in the substitution of alanine 830 with valine. PM2_Supporting: Present at very low frequency in gnomAD. BP4_Moderate: The computational metapredictor REVEL score = 0.05 ≤ 0.183, indicating that the variant is not likely to have an effect on the SLX4 protein.

Fulgent Genetics
Classification: Uncertain significance for Fanconi anemia complementation group P. Last evaluated: 2024-01-20. Review status: criteria provided, single submitter. Criteria: ACMG Guidelines, 2015. Collection method: clinical testing. Allele origin: germline.

Labcorp Genetics (formerly Invitae), Labcorp
Classification: Uncertain significance for Fanconi anemia. Last evaluated: 2021-08-30. Review status: criteria provided, single submitter. Criteria: Invitae Variant Classification Sherloc (09022015). Collection method: clinical testing. Allele origin: germline.
Comment: This sequence change replaces alanine with valine at codon 830 of the SLX4 protein (p.Ala830Val). The alanine residue is weakly conserved and there is a small physicochemical difference between alanine and valine. This variant is present in population databases (rs757069261, ExAC 0.001%). This variant has not been reported in the literature in individuals affected with SLX4-related conditions. Algorithms developed to predict the effect of missense changes on protein structure and function output the following: SIFT: "Tolerated"; PolyPhen-2: "Benign"; Align-GVGD: "Class C0". The valine amino acid residue is found in multiple mammalian species, which suggests that this missense change does not adversely affect protein function. In summary, the available evidence is currently insufficient to determine the role of this variant in disease. Therefore, it has been classified as a Variant of Uncertain Significance.

NM_032444.4(SLX4):c.2489C>T (p.Ala830Val)

Gene: SLX4 (SLX4 structure-specific endonuclease subunit; minus strand). Cytogenetic location: 16p13.3.
Variant type: single nucleotide variant.
Coding change: c.2489C>T on transcript NM_032444.4 (MANE Select); coding-DNA position 2489, C replaced by T.
Protein change: p.Ala830Val; replaces alanine 830 with valine.
Molecular consequence: missense variant.
Genome position (GRCh38, 1-based): chr16:3,591,149, G>A on the plus strand (C>T on the coding strand, the complement: SLX4 is on the minus strand). VCF-style: chr16-3591149-G-A. GRCh37 (hg19) VCF-style: chr16-3641150-G-A.
Other names: short protein forms A830V.
Identifiers: ClinVar variation 859787 (VCV000859787.9), dbSNP rs757069261, ClinGen allele CA7866141.